The following is an entry in ClinVar:

ClinVar aggregate classification (germline): Benign (1 of 4 stars; one submission).

gnomAD v4.1: 1,393 of 1,614,206 alleles (0.086%); highest among the groups gnomAD compares: South Asian, 1.3%; 20 homozygotes.

Submission:

CeGaT Center for Human Genetics Tuebingen
Classification: Benign. Last evaluated: 2026-09-01. Review status: criteria provided, single submitter. Criteria: CeGaT Center For Human Genetics Tuebingen Variant Classification Criteria Version 2. Collection method: clinical testing. Allele origin: germline. Affected: yes. Observed: 2 variant alleles.
Comment: TNR: BP4, BS1, BS2

NM_003285.3(TNR):c.1148C>T (p.Thr383Met)

Gene: TNR (tenascin R; minus strand). Cytogenetic location: 1q25.1.
Variant type: single nucleotide variant.
Coding change: c.1148C>T on transcript NM_003285.3 (MANE Select); coding-DNA position 1148, C replaced by T.
Protein change: p.Thr383Met; replaces threonine 383 with methionine.
Molecular consequence: missense variant.
Genome position (GRCh38, 1-based): chr1:175,396,636, G>A on the plus strand (C>T on the coding strand, the complement: TNR is on the minus strand). VCF-style: chr1-175396636-G-A. GRCh37 (hg19) VCF-style: chr1-175365772-G-A.
Other names: c.149C>T, p.Thr50Met (NM_001328635.2); short protein forms T383M, T50M.
Identifiers: ClinVar variation 5038648 (VCV005038648.1).